The following is an entry in ClinVar:

NM_006231.4(POLE):c.1227-8_1227-6del

Gene: POLE (DNA polymerase epsilon, catalytic subunit; minus strand). Cytogenetic location: 12q24.33.
Variant type: Deletion.
Coding change: c.1227-8_1227-6del on transcript NM_006231.4 (MANE Select); 8 bases into the intron before coding-DNA position 1227 through 6 bases into the intron before coding-DNA position 1227, 3 bases deleted (CCT; older notation c.1227-8_1227-6delCCT).
Molecular consequence: intron variant.
Genome position (GRCh38, 1-based): chr12:132,673,713-132,673,715, AGG deleted on the plus strand (CCT on the coding strand, the reverse complement: POLE is on the minus strand); deleting any 3 consecutive bases within chr12:132,673,713-132,673,717 gives the same sequence; the c. name uses the placement nearest the transcript's 3' end. VCF-style (leftmost placement, unchanged base first): chr12-132673712-AAGG-A. GRCh37 (hg19) VCF-style: chr12-133250298-AAGG-A.
Identifiers: ClinVar variation 3904295 (VCV003904295.1).

ClinVar aggregate classification (germline): Likely benign (1 of 4 stars; one submission).

Conditions:
Colorectal cancer, susceptibility to, 12 (CRCS12). Also called: COLORECTAL CANCER, SUSCEPTIBILITY TO, ON CHROMOSOME 12q24. Identifiers: Orphanet 220460, MedGen C3554460, MONDO:0014038, OMIM 615083.

Submission:

Myriad Genetics, Inc.
Classification: Likely benign for Colorectal cancer, susceptibility to, 12. Last evaluated: 2025-02-10. Review status: criteria provided, single submitter. Criteria: Myriad Autosomal Dominant, Autosomal Recessive and X-Linked Classification Criteria (2023). Collection method: clinical testing. Allele origin: unknown.
Comment: This variant is considered likely benign. This variant is intronic and is not expected to impact mRNA splicing.